The following is an entry in ClinVar:

NM_017433.5(MYO3A):c.4085G>C (p.Arg1362Thr)

Gene: MYO3A (myosin IIIA; plus strand). Cytogenetic location: 10p12.1.
Variant type: single nucleotide variant.
Coding change: c.4085G>C on transcript NM_017433.5 (MANE Select); coding-DNA position 4085, G replaced by C.
Protein change: p.Arg1362Thr; replaces arginine 1362 with threonine.
Molecular consequence: missense variant.
Genome position (GRCh38, 1-based): chr10:26,174,349, G>C. VCF-style: chr10-26174349-G-C. GRCh37 (hg19) VCF-style: chr10-26463278-G-C.
Other names: short protein forms R1362T.
Identifiers: ClinVar variation 3769698 (VCV003769698.1).
Genomic context (GRCh38, chr10:26,174,349, plus strand): 5'-CCCAGGAGGAAGAAGATAAAGCAGCGGTATTCATTCAGAGCAAATACCGGGGTTACAAGA[G>C]AAGGCAGCAGTTGAGGAAGGACAAGATGTCTTCTTTTAAGCATCAGAGGATTGTCACAAC-3'
Protein context (NP_059129.3, residues 1352-1372): FIQSKYRGYK[Arg1362Thr]RQQLRKDKMS

ClinVar aggregate classification (germline): Uncertain significance (1 of 4 stars; one submission).

gnomAD v4.1: 1 of 1,614,174 alleles (0.000062%); highest among the groups gnomAD compares: Non-Finnish European, 0.000085%; no homozygotes.

Submission:

GeneDx
Classification: Uncertain significance. Last evaluated: 2024-09-17. Review status: criteria provided, single submitter. Criteria: GeneDx Variant Classification Process June 2021. Collection method: clinical testing. Allele origin: germline. Affected: yes.
Comment: Not observed at significant frequency in large population cohorts (gnomAD); In silico analysis indicates that this missense variant does not alter protein structure/function; Has not been previously published as pathogenic or benign to our knowledge